The following is an entry in ClinVar:

NM_175614.5(NDUFA11):c.232G>A (p.Ala78Thr)

Gene: NDUFA11 (NADH:ubiquinone oxidoreductase subunit A11; minus strand). Cytogenetic location: 19p13.3.
Variant type: single nucleotide variant.
Coding change: c.232G>A on transcript NM_175614.5 (MANE Select); coding-DNA position 232, G replaced by A.
Protein change: p.Ala78Thr; replaces alanine 78 with threonine.
Molecular consequence: missense variant. On other transcripts: non-coding transcript variant (1).
Genome position (GRCh38, 1-based): chr19:5,896,534, C>T on the plus strand (G>A on the coding strand, the complement: NDUFA11 is on the minus strand). VCF-style: chr19-5896534-C-T. GRCh37 (hg19) VCF-style: chr19-5896545-C-T.
Other names: c.232G>A, p.Ala78Thr (NM_001193375.3); c.232G>A (NM_001193375.1); short protein forms A78T.
Identifiers: ClinVar variation 1929472 (VCV001929472.6), dbSNP rs560864775, ClinGen allele CA9118965.
Genomic context (GRCh38, chr19:5,896,534, plus strand): 5'-CTCCGGCGCAGCCACCGAGGAAGTAGTTCAGGGGGTCGTCGGGCTTCTCGCGGACATGGG[C>T]GCTGATGCAGGTGGTGAGGCCAAACACGGCCCCGACAGCAGCTGCGGGGTAGACGGGAAG-3'
Protein context (NP_783313.1, residues 68-88): AVFGLTTCIS[Ala78Thr]HVREKPDDPL

ClinVar aggregate classification (germline): Uncertain significance. Review status: criteria provided, multiple submitters, no conflicts (2 of 4 stars). 2 submissions from 2 submitters: Uncertain significance (2). Last evaluated 2025-08-11.

Allele frequency attached by ClinVar (database versions not stated): gnomAD exomes below 0.00001; TOPMed 0.00002; gnomAD 0.00004; ExAC 0.00008; 1000 Genomes Project 0.00060; 1000 Genomes Project 30x 0.00078.
gnomAD v4.1: 10 of 1,569,276 alleles (0.00064%); highest among the groups gnomAD compares: African/African-American, 0.0068%; no homozygotes.

Submissions (2):

Ambry Genetics
Classification: Uncertain significance. Last evaluated: 2025-08-11. Review status: criteria provided, single submitter. Criteria: Ambry Variant Classification Scheme 2023. Collection method: clinical testing. Allele origin: germline.

Labcorp Genetics (formerly Invitae), Labcorp
Classification: Uncertain significance. Last evaluated: 2021-12-19. Review status: criteria provided, single submitter. Criteria: Invitae Variant Classification Sherloc (09022015). Collection method: clinical testing. Allele origin: germline.
Comment: This sequence change replaces alanine, which is neutral and non-polar, with threonine, which is neutral and polar, at codon 78 of the NDUFA11 protein (p.Ala78Thr). The frequency data for this variant in the population databases is considered unreliable, as metrics indicate poor data quality at this position in the gnomAD database. This variant has not been reported in the literature in individuals affected with NDUFA11-related conditions. Algorithms developed to predict the effect of missense changes on protein structure and function are either unavailable or do not agree on the potential impact of this missense change (SIFT: "Tolerated"; PolyPhen-2: "Possibly Damaging"; Align-GVGD: "Class C0"). In summary, the available evidence is currently insufficient to determine the role of this variant in disease. Therefore, it has been classified as a Variant of Uncertain Significance.